The following is an entry in ClinVar:

ClinVar aggregate classification (germline): Uncertain significance. Review status: criteria provided, multiple submitters, no conflicts (2 of 4 stars). 2 submissions from 2 submitters: Uncertain significance (2). Last evaluated 2024-08-05.

Conditions:
Hereditary cancer-predisposing syndrome. Also called: Tumor predisposition; Hereditary Cancer Syndrome; Hereditary neoplastic syndrome; Neoplastic Syndromes, Hereditary. Identifiers: Orphanet 140162, MedGen C0027672, MeSH D009386, MONDO:0015356.
Rhabdoid tumor predisposition syndrome 2 (RTPS2). Identifiers: Orphanet 231108, Orphanet 69077, MedGen C2750074, MONDO:0013224, OMIM 613325.

gnomAD v4.1: 5 of 1,612,478 alleles (0.00031%); highest among the groups gnomAD compares: Non-Finnish European, 0.00042%; no homozygotes.

Submissions (2):

Ambry Genetics
Classification: Uncertain significance for Hereditary cancer-predisposing syndrome. Last evaluated: 2024-08-05. Review status: criteria provided, single submitter. Criteria: Ambry Variant Classification Scheme 2023. Collection method: clinical testing. Allele origin: germline.
Comment: The p.D1464Y variant (also known as c.4390G>T), located in coding exon 30 of the SMARCA4 gene, results from a G to T substitution at nucleotide position 4390. The aspartic acid at codon 1464 is replaced by tyrosine, an amino acid with highly dissimilar properties. This amino acid position is well conserved in available vertebrate species. In addition, the in silico prediction for this alteration is inconclusive. Based on the available evidence, the clinical significance of this variant remains unclear.

Labcorp Genetics (formerly Invitae), Labcorp
Classification: Uncertain significance for Rhabdoid tumor predisposition syndrome 2. Last evaluated: 2023-09-06. Review status: criteria provided, single submitter. Criteria: Invitae Variant Classification Sherloc (09022015). Collection method: clinical testing. Allele origin: germline.
Comment: This variant is present in population databases (no rsID available, gnomAD 0.0009%). In summary, the available evidence is currently insufficient to determine the role of this variant in disease. Therefore, it has been classified as a Variant of Uncertain Significance. Advanced modeling of protein sequence and biophysical properties (such as structural, functional, and spatial information, amino acid conservation, physicochemical variation, residue mobility, and thermodynamic stability) has been performed at Invitae for this missense variant, however the output from this modeling did not meet the statistical confidence thresholds required to predict the impact of this variant on SMARCA4 protein function. This variant has not been reported in the literature in individuals affected with SMARCA4-related conditions. This sequence change replaces aspartic acid, which is acidic and polar, with tyrosine, which is neutral and polar, at codon 1464 of the SMARCA4 protein (p.Asp1464Tyr).

NM_003072.5(SMARCA4):c.4294G>T (p.Asp1432Tyr)

Gene: SMARCA4 (SWI/SNF related BAF chromatin remodeling complex subunit ATPase 4; plus strand). Cytogenetic location: 19p13.2.
Variant type: single nucleotide variant.
Coding change: c.4294G>T on transcript NM_003072.5 (MANE Select); coding-DNA position 4294, G replaced by T.
Protein change: p.Asp1432Tyr; replaces aspartic acid 1432 with tyrosine.
Molecular consequence: missense variant. On other transcripts: non-coding transcript variant (1).
Genome position (GRCh38, 1-based): chr19:11,041,430, G>T. VCF-style: chr19-11041430-G-T. GRCh37 (hg19) VCF-style: chr19-11152106-G-T.
Other names: c.4294G>T, p.Asp1432Tyr (NM_001128844.3); c.4204G>T, p.Asp1402Tyr (NM_001128845.2, NM_001128846.2); c.4195G>T, p.Asp1399Tyr (NM_001128847.4, NM_001128848.2, NM_001374457.1); c.4390G>T, p.Asp1464Tyr (NM_001128849.3, NM_001387283.1); c.4291G>T, p.Asp1431Tyr (NM_001411150.1); c.4390G>T (NM_001128849.1); short protein forms D1402Y, D1399Y, D1431Y, D1432Y, D1464Y.
Identifiers: ClinVar variation 2810508 (VCV002810508.4), dbSNP rs755295556, ClinGen allele CA404073649.
Genomic context (GRCh38, chr19:11,041,430, plus strand): 5'-AAGCGCAAGCGAGACAGCGACGCCGGCTCCTCCACCCCGACCACCAGCACCCGCAGCCGC[G>T]ACAAGGACGACGAGAGCAAGAAGCAGAAGAAGCGCGGGCGGCCGCCTGCCGAGAAACTCT-3'
Protein context (NP_003063.2, residues 1422-1442): STPTTSTRSR[Asp1432Tyr]KDDESKKQKK